The following is an entry in ClinVar:

ClinVar aggregate classification (germline): Uncertain significance (1 of 4 stars; one submission).

Conditions:
Nemaline myopathy 5 (NEM5A). Also called: Nemaline myopathy 5, Amish type; NEMALINE MYOPATHY, AMISH TYPE; NEMALINE MYOPATHY 5A, AUTOSOMAL RECESSIVE, SEVERE INFANTILE. Identifiers: Orphanet 98902, MedGen C1854380, MONDO:0011539, OMIM 605355.

Allele frequency attached by ClinVar (database versions not stated): gnomAD exomes below 0.00001; ExAC 0.00001.
gnomAD v4.1: 3 of 1,611,754 alleles (0.00019%); highest among the groups gnomAD compares: South Asian, 0.0033%; no homozygotes.

Submission:

Labcorp Genetics (formerly Invitae), Labcorp
Classification: Uncertain significance for Nemaline myopathy 5. Last evaluated: 2024-02-17. Review status: criteria provided, single submitter. Criteria: Invitae Variant Classification Sherloc (09022015). Collection method: clinical testing. Allele origin: germline.
Comment: This sequence change replaces isoleucine, which is neutral and non-polar, with threonine, which is neutral and polar, at codon 195 of the TNNT1 protein (p.Ile195Thr). This variant is present in population databases (rs781607369, gnomAD no frequency). This variant has not been reported in the literature in individuals affected with TNNT1-related conditions. ClinVar contains an entry for this variant (Variation ID: 1918842). Advanced modeling of protein sequence and biophysical properties (such as structural, functional, and spatial information, amino acid conservation, physicochemical variation, residue mobility, and thermodynamic stability) performed at Invitae indicates that this missense variant is not expected to disrupt TNNT1 protein function with a negative predictive value of 80%. In summary, the available evidence is currently insufficient to determine the role of this variant in disease. Therefore, it has been classified as a Variant of Uncertain Significance.

NM_003283.6(TNNT1):c.584T>C (p.Ile195Thr)

Gene: TNNT1 (troponin T1, slow skeletal type; minus strand). Cytogenetic location: 19q13.42.
Variant type: single nucleotide variant.
Coding change: c.584T>C on transcript NM_003283.6 (MANE Select); coding-DNA position 584, T replaced by C.
Protein change: p.Ile195Thr; replaces isoleucine 195 with threonine.
Molecular consequence: missense variant.
Genome position (GRCh38, 1-based): chr19:55,137,130, A>G on the plus strand (T>C on the coding strand, the complement: TNNT1 is on the minus strand). VCF-style: chr19-55137130-A-G. GRCh37 (hg19) VCF-style: chr19-55648498-A-G.
Other names: c.584T>C, p.Ile195Thr (NM_001126132.3); c.551T>C, p.Ile184Thr (NM_001126133.3, NM_001291774.2); short protein forms I195T, I184T.
Identifiers: ClinVar variation 1918842 (VCV001918842.5), dbSNP rs781607369, ClinGen allele CA9667365.